The following is an entry in ClinVar:

NM_000368.5(TSC1):c.2137G>A (p.Ala713Thr)

Gene: TSC1 (TSC complex subunit 1; minus strand). Cytogenetic location: 9q34.13.
Variant type: single nucleotide variant.
Coding change: c.2137G>A on transcript NM_000368.5 (MANE Select); coding-DNA position 2137, G replaced by A.
Protein change: p.Ala713Thr; replaces alanine 713 with threonine.
Molecular consequence: missense variant. On other transcripts: non-coding transcript variant (4).
Genome position (GRCh38, 1-based): chr9:132,903,722, C>T on the plus strand (G>A on the coding strand, the complement: TSC1 is on the minus strand). VCF-style: chr9-132903722-C-T. GRCh37 (hg19) VCF-style: chr9-135779109-C-T.
Other names: c.2137G>A, p.Ala713Thr (NM_001406593.1, NM_001406594.1, NM_001406595.1 and 5 more transcripts); c.2134G>A, p.Ala712Thr (NM_001406597.1, NM_001406598.1, NM_001406599.1 and 4 more transcripts); c.2122G>A, p.Ala708Thr (NM_001406601.1, NM_001406602.1); c.1981G>A, p.Ala661Thr (NM_001406612.1, NM_001406613.1, NM_001406611.1); c.1774G>A, p.Ala592Thr (NM_001406614.1, NM_001406615.1, NM_001406616.1 and 5 more transcripts); c.1771G>A, p.Ala591Thr (NM_001406620.1, NM_001406621.1, NM_001406622.1 and 2 more transcripts); c.1186G>A, p.Ala396Thr (NM_001406626.1); c.1183G>A, p.Ala395Thr (NM_001406627.1, NM_001406628.1); and 3 more; short protein forms A362T, A395T, A396T, A591T, A592T, A661T, A662T, A707T.
Identifiers: ClinVar variation 4758840 (VCV004758840.1).
Genomic context (GRCh38, chr9:132,903,722, plus strand): 5'-TATGTTCCTCCAGAGCTGCTGCTTTGATCACCTTGCGGAGGAGCCGCCTGTTCCGGAGGG[C>T]ATGCTGCTGCCTCTTAAAACGCTCATAGAGTAACTGGTTGTGCAGTAAAAGCAACTGGTC-3'
Protein context (NP_000359.1, residues 703-723): LYERFKRQQH[Ala713Thr]LRNRRLLRKV

ClinVar aggregate classification (germline): Uncertain significance (1 of 4 stars; one submission).

Conditions:
Tuberous sclerosis syndrome (TSC). Also called: Tuberous Sclerosis Complex; Tuberous sclerosis. Identifiers: Orphanet 805, MedGen C0041341, MONDO:0001734.

gnomAD v4.1: 1 of 1,613,316 alleles (0.000062%); highest among the groups gnomAD compares: Non-Finnish European, 0.000085%; no homozygotes.

Submission:

Color Diagnostics, LLC DBA Color Health
Classification: Uncertain significance for Tuberous sclerosis syndrome. Last evaluated: 2025-06-30. Review status: criteria provided, single submitter. Criteria: ACMG Guidelines, 2015. Collection method: clinical testing. Allele origin: germline.
Comment: This missense variant replaces alanine with threonine at codon 713 of the TSC1 protein. Computational prediction suggests that this variant may have deleterious impact on protein structure and function. To our knowledge, functional studies have not been reported for this variant. This variant has not been reported in individuals affected with TSC1-related disorders in the literature. This variant has not been identified in the general population by the Genome Aggregation Database (gnomAD). The available evidence is insufficient to determine the role of this variant in disease conclusively. Therefore, this variant is classified as a Variant of Uncertain Significance.